The following is an entry in ClinVar:

NM_020632.3(ATP6V0A4):c.1366G>A (p.Gly456Ser)

Gene: ATP6V0A4 (ATPase H+ transporting V0 subunit a4; minus strand). Cytogenetic location: 7q34.
Variant type: single nucleotide variant.
Coding change: c.1366G>A on transcript NM_020632.3 (MANE Select); coding-DNA position 1366, G replaced by A.
Protein change: p.Gly456Ser; replaces glycine 456 with serine.
Molecular consequence: missense variant.
Genome position (GRCh38, 1-based): chr7:138,745,235, C>T on the plus strand (G>A on the coding strand, the complement: ATP6V0A4 is on the minus strand). VCF-style: chr7-138745235-C-T. GRCh37 (hg19) VCF-style: chr7-138429980-C-T.
Other names: c.1366G>A, p.Gly456Ser (NM_130840.3, NM_130841.3); short protein forms G456S.
Identifiers: ClinVar variation 4178236 (VCV004178236.2).

ClinVar aggregate classification (germline): Uncertain significance. Review status: criteria provided, multiple submitters, no conflicts (2 of 4 stars). 2 submissions from 2 submitters: Uncertain significance (2). Last evaluated 2026-01-06.

Conditions:
Inborn genetic diseases. Identifiers: MedGen C0950123, MeSH D030342.

gnomAD v4.1: 9 of 1,613,624 alleles (0.00056%); highest among the groups gnomAD compares: Admixed American, 0.013%; no homozygotes.

Submissions (2):

Labcorp Genetics (formerly Invitae), Labcorp
Classification: Uncertain significance. Last evaluated: 2026-01-06. Review status: criteria provided, single submitter. Criteria: Invitae Variant Classification Sherloc (09022015). Collection method: clinical testing. Allele origin: germline.
Comment: This sequence change replaces glycine, which is neutral and non-polar, with serine, which is neutral and polar, at codon 456 of the ATP6V0A4 protein (p.Gly456Ser). This variant is present in population databases (rs746586700, gnomAD 0.02%). This variant has not been reported in the literature in individuals affected with ATP6V0A4-related conditions. ClinVar contains an entry for this variant (Variation ID: 4178236). Invitae Evidence Modeling of protein sequence and biophysical properties (such as structural, functional, and spatial information, amino acid conservation, physicochemical variation, residue mobility, and thermodynamic stability) indicates that this missense variant is not expected to disrupt ATP6V0A4 protein function with a negative predictive value of 80%. In summary, the available evidence is currently insufficient to determine the role of this variant in disease. Therefore, it has been classified as a Variant of Uncertain Significance.

Ambry Genetics
Classification: Uncertain significance for Inborn genetic diseases. Last evaluated: 2025-08-28. Review status: criteria provided, single submitter. Criteria: Ambry Variant Classification Scheme 2023. Collection method: clinical testing. Allele origin: germline.